The following is an entry in ClinVar:

NM_002633.3(PGM1):c.1280+1G>C

Gene: PGM1 (phosphoglucomutase 1; plus strand). Cytogenetic location: 1p31.3.
Variant type: single nucleotide variant.
Coding change: c.1280+1G>C on transcript NM_002633.3 (MANE Select); the canonical splice donor site of the intron after coding-DNA position 1280, G replaced by C.
Molecular consequence: splice donor variant.
Genome position (GRCh38, 1-based): chr1:63,648,653, G>C. VCF-style: chr1-63648653-G-C. GRCh37 (hg19) VCF-style: chr1-64114324-G-C.
Other names: c.689+1G>C (NM_001172819.2); c.1334+1G>C (NM_001172818.1).
Identifiers: ClinVar variation 4772817 (VCV004772817.1).

ClinVar aggregate classification (germline): Likely pathogenic (1 of 4 stars; one submission).

Conditions:
PGM1-congenital disorder of glycosylation. Also called: Congenital disorder of glycosylation type 1t; PHOSPHOGLUCOMUTASE 1 DEFICIENCY; PGM1 DEFICIENCY; GLYCOGEN STORAGE DISEASE XIV; GSD XIV; CDG It. Identifiers: Orphanet 319646, MedGen C2752015, MONDO:0013968, OMIM 614921.

gnomAD v4.1: 5 of 1,613,782 alleles (0.00031%); highest among the groups gnomAD compares: Admixed American, 0.0033%; no homozygotes.

Submission:

Labcorp Genetics (formerly Invitae), Labcorp
Classification: Likely pathogenic for PGM1-congenital disorder of glycosylation. Last evaluated: 2025-12-01. Review status: criteria provided, single submitter. Criteria: Invitae Variant Classification Sherloc (09022015). Collection method: clinical testing. Allele origin: germline.
Comment: This sequence change affects a donor splice site in intron 8 of the PGM1 gene. It is expected to disrupt RNA splicing. Variants that disrupt the donor or acceptor splice site typically lead to a loss of protein function (PMID: 16199547), and loss-of-function variants in PGM1 are known to be pathogenic (PMID: 22492991). This variant is present in population databases (rs547063344, gnomAD 0.003%). This variant has not been reported in the literature in individuals affected with PGM1-related conditions. Algorithms developed to predict the effect of sequence changes on RNA splicing suggest that this variant may disrupt the consensus splice site. In summary, the currently available evidence indicates that the variant is pathogenic, but additional data are needed to prove that conclusively. Therefore, this variant has been classified as Likely Pathogenic.

Literature cited by the submitters: PubMed 16199547; PubMed 22492991.